The following is an entry in ClinVar:

ClinVar aggregate classification (germline): Uncertain significance (1 of 4 stars; one submission).

Conditions:
Creatine transporter deficiency (CCDS1). Also called: Mental retardation , X-linked with seizures, short stature and midface hypoplasia; Mental retardation , X-linked, with creatine transport deficiency; X-linked creatine transporter deficiency; X-linked creatine deficiency syndrome; SLC6A8-Related Creatine Transporter Deficiency; CREATINE TRANSPORTER DEFECT. Identifiers: Orphanet 52503, MedGen C1845862, MONDO:0010305, OMIM 300352.

gnomAD v4.1: 12 of 1,198,443 alleles (0.001%); highest among the groups gnomAD compares: South Asian, 0.02%; no homozygotes.

Submission:

Labcorp Genetics (formerly Invitae), Labcorp
Classification: Uncertain significance for Creatine transporter deficiency. Last evaluated: 2024-06-10. Review status: criteria provided, single submitter. Criteria: Invitae Variant Classification Sherloc (09022015). Collection method: clinical testing. Allele origin: germline.
Comment: This sequence change replaces arginine, which is basic and polar, with glycine, which is neutral and non-polar, at codon 582 of the SLC6A8 protein (p.Arg582Gly). The frequency data for this variant in the population databases is considered unreliable, as metrics indicate poor data quality at this position in the gnomAD database. This variant has not been reported in the literature in individuals affected with SLC6A8-related conditions. Advanced modeling of protein sequence and biophysical properties (such as structural, functional, and spatial information, amino acid conservation, physicochemical variation, residue mobility, and thermodynamic stability) performed at Invitae indicates that this missense variant is not expected to disrupt SLC6A8 protein function with a negative predictive value of 95%. In summary, the available evidence is currently insufficient to determine the role of this variant in disease. Therefore, it has been classified as a Variant of Uncertain Significance.

NM_005629.4(SLC6A8):c.1744A>G (p.Arg582Gly)

Gene: SLC6A8 (solute carrier family 6 member 8; plus strand). Cytogenetic location: Xq28.
Variant type: single nucleotide variant.
Coding change: c.1744A>G on transcript NM_005629.4 (MANE Select); coding-DNA position 1744, A replaced by G.
Protein change: p.Arg582Gly; replaces arginine 582 with glycine.
Molecular consequence: missense variant.
Genome position (GRCh38, 1-based): chrX:153,694,866, A>G. VCF-style: chrX-153694866-A-G. GRCh37 (hg19) VCF-style: chrX-152960321-A-G.
Other names: c.1714A>G, p.Arg572Gly (NM_001142805.2); c.1399A>G, p.Arg467Gly (NM_001142806.1); short protein forms R467G, R572G, R582G.
Identifiers: ClinVar variation 3618772 (VCV003618772.2).